The following is an entry in ClinVar:

ClinVar aggregate classification (germline): Likely pathogenic (1 of 4 stars; one submission).

Conditions:
Jeune thoracic dystrophy. Also called: Jeune syndrome; Infantile thoracic dystrophy; Thoracic pelvic phalangeal dystrophy; Jeune's syndrome; Chondroectodermal dysplasia-like syndrome; Short-rib thoracic dysplasia. Identifiers: Orphanet 474, MedGen C0265275, MONDO:0018770.

Allele frequency attached by ClinVar (database versions not stated): gnomAD exomes below 0.00001; gnomAD 0.00001.
gnomAD v4.1: 2 of 1,591,916 alleles (0.00013%); highest among the groups gnomAD compares: Non-Finnish European, 0.00017%; no homozygotes.

Submission:

Labcorp Genetics (formerly Invitae), Labcorp
Classification: Likely pathogenic for Jeune thoracic dystrophy. Last evaluated: 2023-04-12. Review status: criteria provided, single submitter. Criteria: Invitae Variant Classification Sherloc (09022015). Collection method: clinical testing. Allele origin: germline.
Comment: In summary, the currently available evidence indicates that the variant is pathogenic, but additional data are needed to prove that conclusively. Therefore, this variant has been classified as Likely Pathogenic. Algorithms developed to predict the effect of sequence changes on RNA splicing suggest that this variant may disrupt the consensus splice site. This variant has not been reported in the literature in individuals affected with DYNC2H1-related conditions. This variant is not present in population databases (gnomAD no frequency). This sequence change affects an acceptor splice site in intron 81 of the DYNC2H1 gene. It is expected to disrupt RNA splicing. Variants that disrupt the donor or acceptor splice site typically lead to a loss of protein function (PMID: 16199547), and loss-of-function variants in DYNC2H1 are known to be pathogenic (PMID: 23339108, 32753734).

Literature cited by the submitters: PubMed 16199547; PubMed 23339108; PubMed 32753734.

NM_001377.3(DYNC2H1):c.11726-1G>A

Gene: DYNC2H1 (dynein cytoplasmic 2 heavy chain 1; plus strand). Cytogenetic location: 11q22.3.
Variant type: single nucleotide variant.
Coding change: c.11726-1G>A on transcript NM_001377.3 (MANE Select); the canonical splice acceptor site of the intron before coding-DNA position 11726, G replaced by A.
Molecular consequence: splice acceptor variant.
Genome position (GRCh38, 1-based): chr11:103,321,028, G>A. VCF-style: chr11-103321028-G-A. GRCh37 (hg19) VCF-style: chr11-103191757-G-A.
Other names: c.11747-1G>A (NM_001080463.2).
Identifiers: ClinVar variation 2852325 (VCV002852325.3), dbSNP rs1938157903, ClinGen allele CA382268600.